The following is an entry in ClinVar:

ClinVar aggregate classification (germline): Uncertain significance (1 of 4 stars; one submission).

Conditions:
Inborn genetic diseases. Identifiers: MedGen C0950123, MeSH D030342.

Submission:

Ambry Genetics
Classification: Uncertain significance for Inborn genetic diseases. Last evaluated: 2025-08-02. Review status: criteria provided, single submitter. Criteria: Ambry Variant Classification Scheme 2023. Collection method: clinical testing. Allele origin: germline.
Comment: The p.P562T variant (also known as c.1684C>A), located in coding exon 12 of the ASXL1 gene, results from a C to A substitution at nucleotide position 1684. The proline at codon 562 is replaced by threonine, an amino acid with highly similar properties. This amino acid position is conserved. In addition, this alteration is predicted to be tolerated by in silico analysis. Based on the available evidence, the clinical significance of this variant remains unclear.

NM_015338.6(ASXL1):c.1684C>A (p.Pro562Thr)

Gene: ASXL1 (ASXL transcriptional regulator 1; plus strand). Cytogenetic location: 20q11.21.
Variant type: single nucleotide variant.
Coding change: c.1684C>A on transcript NM_015338.6 (MANE Select); coding-DNA position 1684, C replaced by A.
Protein change: p.Pro562Thr; replaces proline 562 with threonine.
Molecular consequence: missense variant.
Genome position (GRCh38, 1-based): chr20:32,433,882, C>A. VCF-style: chr20-32433882-C-A. GRCh37 (hg19) VCF-style: chr20-31021685-C-A.
Other names: c.1501C>A, p.Pro501Thr (NM_001363734.1); short protein forms P562T, P501T.
Identifiers: ClinVar variation 4158550 (VCV004158550.1).